The following is an entry in ClinVar:

NM_152641.4(ARID2):c.103A>T (p.Lys35Ter)

Genes: ARID2 (AT-rich interaction domain 2; plus strand), LOC130007728 (ATAC-STARR-seq lymphoblastoid silent region 4376; plus strand). Cytogenetic location: 12q12.
Variant type: single nucleotide variant.
Coding change: c.103A>T on transcript NM_152641.4 (MANE Select); coding-DNA position 103, A replaced by T.
Protein change: p.Lys35Ter; replaces lysine 35 with a stop codon.
Molecular consequence: nonsense.
Genome position (GRCh38, 1-based): chr12:45,730,054, A>T. VCF-style: chr12-45730054-A-T. GRCh37 (hg19) VCF-style: chr12-46123837-A-T.
Other names: c.103A>T, p.Lys35Ter (NM_001347839.2); short protein forms K35*.
Identifiers: ClinVar variation 3347919 (VCV003347919.3).
Genomic context (GRCh38, chr12:45,730,054, plus strand): 5'-CCGGGCACGGGGTCCCGGCTGACAAGTGCGGGGCTTTTTCTCTCCCGCAGGTCGCCTTTT[A>T]AAAAAATCCCTGCGGTGGGTGGGAAGGAGCTGGATCTTCACGGTCTCTACACCAGAGTCA-3'

ClinVar aggregate classification (germline): Likely pathogenic. Review status: criteria provided, multiple submitters, no conflicts (2 of 4 stars). 3 submissions from 3 submitters: Likely pathogenic (2). 1 of the submissions does not count toward it. Last evaluated 2024-05-29.

Conditions:
Coffin-Siris syndrome 6. Identifiers: MedGen C4540499, MONDO:0033492, OMIM 617808.
ARID2-related disorder. Also called: ARID2-related condition.

Submissions (3):

Blueprint Genetics
Classification: Likely pathogenic for ARID2-related disorders. Last evaluated: 2024-05-29. Review status: criteria provided, single submitter. Criteria: ACMG Guidelines, 2015. Collection method: clinical testing. Allele origin: germline. Affected: yes. Observed: 1 variant allele.

3billion
Classification: Likely pathogenic for Coffin-Siris syndrome 6. Last evaluated: 2023-08-01. Review status: criteria provided, single submitter. Criteria: ACMG Guidelines, 2015. Collection method: clinical testing. Allele origin: germline. Affected: yes.
Comment: The variant is not observed in the gnomAD v2.1.1 dataset. Predicted Consequence/Location: Stop-gained (nonsense): predicted to result in a loss or disruption of normal protein function through nonsense-mediated decay (NMD) or protein truncation. Multiple pathogenic variants are reported downstream of the variant. Therefore, this variant is classified as Likely pathogenic according to the recommendation of ACMG/AMP guideline.

PreventionGenetics, part of Exact Sciences
Classification: Likely pathogenic for ARID2-related condition. Last evaluated: 2024-06-18. Review status: no assertion criteria provided. Collection method: clinical testing. Allele origin: germline. Not counted in ClinVar's aggregate classification.
Comment: The ARID2 c.103A>T variant is predicted to result in premature protein termination (p.Lys35*). To our knowledge, this variant has not been reported in the literature or in a large population database, indicating this variant is rare. Nonsense variants in ARID2 are expected to be pathogenic. This variant is interpreted as likely pathogenic.